The following is an entry in ClinVar:

NM_018136.5(ASPM):c.4360A>G (p.Arg1454Gly)

Gene: ASPM (assembly factor for spindle microtubules; minus strand). Cytogenetic location: 1q31.3.
Variant type: single nucleotide variant.
Coding change: c.4360A>G on transcript NM_018136.5 (MANE Select); coding-DNA position 4360, A replaced by G.
Protein change: p.Arg1454Gly; replaces arginine 1454 with glycine.
Molecular consequence: missense variant. On other transcripts: intron variant (1).
Genome position (GRCh38, 1-based): chr1:197,104,891, T>C on the plus strand (A>G on the coding strand, the complement: ASPM is on the minus strand). VCF-style: chr1-197104891-T-C. GRCh37 (hg19) VCF-style: chr1-197074021-T-C.
Other names: c.4360A>G (NM_018136.4); c.4066-8727A>G (NM_001206846.2); short protein forms R1454G.
Identifiers: ClinVar variation 1401033 (VCV001401033.9), dbSNP rs769921325, ClinGen allele CA1309944.

ClinVar aggregate classification (germline): Uncertain significance. Review status: criteria provided, multiple submitters, no conflicts (2 of 4 stars). 4 submissions from 4 submitters: Uncertain significance (4). Last evaluated 2026-04-29.

Conditions:
Inborn genetic diseases. Identifiers: MedGen C0950123, MeSH D030342.
Microcephaly 5, primary, autosomal recessive (MCPH5). Also called: ASPM Primary Microcephaly. Identifiers: Orphanet 2512, MedGen C1837501, MONDO:0012106, OMIM 608716.

Allele frequency attached by ClinVar (database versions not stated): gnomAD 0.00001; TOPMed 0.00001; gnomAD exomes 0.00002 and 0.00006; ExAC 0.00003.
gnomAD v4.1: 84 of 1,609,552 alleles (0.0052%); highest among the groups gnomAD compares: Non-Finnish European, 0.0071%; no homozygotes.

Submissions (4):

Greenwood Genetic Center Diagnostic Laboratories, Greenwood Genetic Center
Classification: Uncertain significance. Last evaluated: 2026-04-29. Review status: criteria provided, single submitter. Criteria: ACMG Guidelines, 2015. Collection method: clinical testing. Allele origin: germline.
Comment: PM2

Ambry Genetics
Classification: Uncertain significance for Inborn genetic diseases. Last evaluated: 2023-08-22. Review status: criteria provided, single submitter. Criteria: Ambry Variant Classification Scheme 2023. Collection method: clinical testing. Allele origin: germline.

Genome-Nilou Lab
Classification: Uncertain significance for Microcephaly 5, primary, autosomal recessive. Last evaluated: 2023-04-11. Review status: criteria provided, single submitter. Criteria: ACMG Guidelines, 2015. Collection method: clinical testing. Allele origin: germline. Affected: no.

Labcorp Genetics (formerly Invitae), Labcorp
Classification: Uncertain significance. Last evaluated: 2022-09-13. Review status: criteria provided, single submitter. Criteria: Invitae Variant Classification Sherloc (09022015). Collection method: clinical testing. Allele origin: germline.
Comment: In summary, the available evidence is currently insufficient to determine the role of this variant in disease. Therefore, it has been classified as a Variant of Uncertain Significance. Advanced modeling of protein sequence and biophysical properties (such as structural, functional, and spatial information, amino acid conservation, physicochemical variation, residue mobility, and thermodynamic stability) has been performed at Invitae for this missense variant, however the output from this modeling did not meet the statistical confidence thresholds required to predict the impact of this variant on ASPM protein function. ClinVar contains an entry for this variant (Variation ID: 1401033). This variant has not been reported in the literature in individuals affected with ASPM-related conditions. This variant is present in population databases (rs769921325, gnomAD 0.005%). This sequence change replaces arginine, which is basic and polar, with glycine, which is neutral and non-polar, at codon 1454 of the ASPM protein (p.Arg1454Gly).